The following is an entry in ClinVar:

NR_027350.2(MIR17HG):n.3655C>T

Gene: MIR17HG (miR-17-92a-1 cluster host gene; plus strand). Cytogenetic location: 13q31.3.
Variant type: single nucleotide variant.
Genome position: GRCh38 VCF-style: chr13-91353079-C-T. GRCh37 (hg19) VCF-style: chr13-92005333-C-T.
Identifiers: ClinVar variation 3029756 (VCV003029756.2), dbSNP rs149052230, ClinGen allele CA254717806.

ClinVar aggregate classification (germline): Likely benign (0 of 4 stars; one submission).

Conditions:
MIR17HG-related disorder. Also called: MIR17HG-related condition.

Allele frequency attached by ClinVar (database versions not stated): 1000 Genomes Project 0.00060; gnomAD 0.00066; TOPMed 0.00071; 1000 Genomes Project 30x 0.00078.
gnomAD v4.1: 90 of 137,588 alleles (0.065%); highest among the groups gnomAD compares: African/African-American, 0.24%; no homozygotes.

Submission:

PreventionGenetics, part of Exact Sciences
Classification: Likely benign for MIR17HG-related condition. Last evaluated: 2024-04-04. Review status: no assertion criteria provided. Collection method: clinical testing. Allele origin: germline.
Comment: This variant is classified as likely benign based on ACMG/AMP sequence variant interpretation guidelines (Richards et al. 2015 PMID: 25741868, with internal and published modifications).